The following is an entry in ClinVar:

NM_001114753.3(ENG):c.287T>C (p.Leu96Pro)

Gene: ENG (endoglin; minus strand). Cytogenetic location: 9q34.11.
Variant type: single nucleotide variant.
Coding change: c.287T>C on transcript NM_001114753.3 (MANE Select); coding-DNA position 287, T replaced by C.
Protein change: p.Leu96Pro; replaces leucine 96 with proline.
Molecular consequence: missense variant. On other transcripts: 5 prime UTR variant (1).
Genome position (GRCh38, 1-based): chr9:127,829,760, A>G on the plus strand (T>C on the coding strand, the complement: ENG is on the minus strand). VCF-style: chr9-127829760-A-G. GRCh37 (hg19) VCF-style: chr9-130592039-A-G.
Other names: c.287T>C, p.Leu96Pro (NM_000118.4, NM_001406715.1); c.-260T>C (NM_001278138.2); short protein forms L96P.
Identifiers: ClinVar variation 4709704 (VCV004709704.1).

ClinVar aggregate classification (germline): Uncertain significance (1 of 4 stars; one submission).

Conditions:
Hereditary hemorrhagic telangiectasia (HHT). Also called: ORW DISEASE; Osler Weber Rendu syndrome; OSLER-RENDU-WEBER DISEASE; Osler hemorrhagic telangiectasia syndrome. Identifiers: Orphanet 774, MedGen C0039445, MONDO:0019180. Disease mechanism: loss of function.

Submission:

Labcorp Genetics (formerly Invitae), Labcorp
Classification: Uncertain significance for Hereditary hemorrhagic telangiectasia. Last evaluated: 2025-02-06. Review status: criteria provided, single submitter. Criteria: Invitae Variant Classification Sherloc (09022015). Collection method: clinical testing. Allele origin: germline.
Comment: This sequence change replaces leucine, which is neutral and non-polar, with proline, which is neutral and non-polar, at codon 96 of the ENG protein (p.Leu96Pro). This variant is not present in population databases (gnomAD no frequency). This missense change has been observed in individual(s) with hereditary hemorrhagic telangiectasia (PMID: 16429404; internal data). Invitae Evidence Modeling of protein sequence and biophysical properties (such as structural, functional, and spatial information, amino acid conservation, physicochemical variation, residue mobility, and thermodynamic stability) has been performed for this missense variant. However, the output from this modeling did not meet the statistical confidence thresholds required to predict the impact of this variant on ENG protein function. In summary, the available evidence is currently insufficient to determine the role of this variant in disease. Therefore, it has been classified as a Variant of Uncertain Significance.

Literature cited by the submitters: PubMed 16429404.